The following is an entry in ClinVar:

NM_001291303.3(FAT4):c.13662G>T (p.Glu4554Asp)

Gene: FAT4 (FAT atypical cadherin 4; plus strand). Cytogenetic location: 4q28.1.
Variant type: single nucleotide variant.
Coding change: c.13662G>T on transcript NM_001291303.3 (MANE Select); coding-DNA position 13662, G replaced by T.
Protein change: p.Glu4554Asp; replaces glutamic acid 4554 with aspartic acid.
Molecular consequence: missense variant.
Genome position (GRCh38, 1-based): chr4:125,490,478, G>T. VCF-style: chr4-125490478-G-T. GRCh37 (hg19) VCF-style: chr4-126411633-G-T.
Other names: c.13659G>T, p.Glu4553Asp (NM_001291285.3); c.13656G>T, p.Glu4552Asp (NM_024582.6); short protein forms E4552D, E4553D, E4554D.
Identifiers: ClinVar variation 1979551 (VCV001979551.1), dbSNP rs1298870096, ClinGen allele CA358137530.

ClinVar aggregate classification (germline): Uncertain significance (1 of 4 stars; one submission).

Allele frequency attached by ClinVar (database versions not stated): TOPMed below 0.00001.
gnomAD v4.1: 8 of 1,614,174 alleles (0.0005%); highest among the groups gnomAD compares: Non-Finnish European, 0.00068%; no homozygotes.

Submission:

Labcorp Genetics (formerly Invitae), Labcorp
Classification: Uncertain significance. Last evaluated: 2022-01-04. Review status: criteria provided, single submitter. Criteria: Invitae Variant Classification Sherloc (09022015). Collection method: clinical testing. Allele origin: germline.
Comment: This sequence change replaces glutamic acid, which is acidic and polar, with aspartic acid, which is acidic and polar, at codon 4552 of the FAT4 protein (p.Glu4552Asp). This variant is present in population databases (no rsID available, gnomAD 0.002%). This variant has not been reported in the literature in individuals affected with FAT4-related conditions. Advanced modeling of protein sequence and biophysical properties (such as structural, functional, and spatial information, amino acid conservation, physicochemical variation, residue mobility, and thermodynamic stability) performed at Invitae indicates that this missense variant is not expected to disrupt FAT4 protein function. In summary, the available evidence is currently insufficient to determine the role of this variant in disease. Therefore, it has been classified as a Variant of Uncertain Significance.